The following is an entry in ClinVar:

NM_001379110.1(SLC9A6):c.524+8_524+12del

Gene: SLC9A6 (solute carrier family 9 member A6; plus strand). Cytogenetic location: Xq26.3.
Variant type: Deletion.
Coding change: c.524+8_524+12del on transcript NM_001379110.1 (MANE Select); bases 8 to 12 of the intron after coding-DNA position 524, 5 bases deleted (TTTTA; older notation c.524+8_524+12delTTTTA).
Molecular consequence: intron variant.
Genome position (GRCh38, 1-based): chrX:135,998,566-135,998,570, TTTTA deleted; deleting any 5 consecutive bases within chrX:135,998,564-135,998,570 gives the same sequence; the c. name uses the placement nearest the transcript's 3' end. VCF-style (leftmost placement, unchanged base first): chrX-135998563-GTATTT-G. GRCh37 (hg19) VCF-style: chrX-135080722-GTATTT-G.
Other names: c.584+8_584+12del5 (NM_006359.2); c.680+8_680+12del (NM_001042537.2); c.584+8_584+12del (NM_006359.3); c.524+8_524+12del (NM_001177651.2); c.428+8_428+12del (NM_001330652.2).
Identifiers: ClinVar variation 1635771 (VCV001635771.9), dbSNP rs782802858, ClinGen allele CA10524685.

ClinVar aggregate classification (germline): Likely benign. Review status: criteria provided, multiple submitters, no conflicts (2 of 4 stars). 2 submissions from 2 submitters: Likely benign (2). Last evaluated 2026-07-23.

Conditions:
SLC9A6-related disorder. Also called: SLC9A6-related condition.
Christianson syndrome (MRXSCH). Also called: INTELLECTUAL DEVELOPMENTAL DISORDER, X-LINKED, SYNDROMIC, CHRISTIANSON TYPE; X-linked mental retardation, syndromic, Christianson type; SLC9A6-Related Syndromic Mental Retardation. Identifiers: Orphanet 85278, MedGen C2678194, MONDO:0010278, OMIM 300243.

Submissions (2):

PreventionGenetics, part of Exact Sciences
Classification: Likely benign for SLC9A6-related condition. Last evaluated: 2026-07-23. Review status: criteria provided, single submitter. Criteria: ACMG Guidelines, 2015. Collection method: clinical testing. Allele origin: germline.
Comment: This variant is classified as likely benign based on ACMG/AMP sequence variant interpretation guidelines (Richards et al. 2015 PMID: 25741868, with internal and published modifications).

Labcorp Genetics (formerly Invitae), Labcorp
Classification: Likely benign for Christianson syndrome. Last evaluated: 2021-08-31. Review status: criteria provided, single submitter. Criteria: Invitae Variant Classification Sherloc (09022015). Collection method: clinical testing. Allele origin: germline.